The following is an entry in ClinVar:

ClinVar aggregate classification (germline): Uncertain significance (1 of 4 stars; one submission).

Conditions:
Inborn genetic diseases. Identifiers: MedGen C0950123, MeSH D030342.

Submission:

Ambry Genetics
Classification: Uncertain significance for Inborn genetic diseases. Last evaluated: 2022-11-10. Review status: criteria provided, single submitter. Criteria: Ambry Variant Classification Scheme 2023. Collection method: clinical testing. Allele origin: germline.
Comment: The p.G127R variant (also known as c.379G>A), located in coding exon 6 of the ERCC2 gene, results from a G to A substitution at nucleotide position 379. The glycine at codon 127 is replaced by arginine, an amino acid with dissimilar properties. This amino acid position is conserved. In addition, this alteration is predicted to be deleterious by in silico analysis. Since supporting evidence is limited at this time, the clinical significance of this alteration remains unclear.

NM_000400.4(ERCC2):c.379G>A (p.Gly127Arg)

Gene: ERCC2 (ERCC excision repair 2, TFIIH core complex helicase subunit; minus strand). Cytogenetic location: 19q13.32.
Variant type: single nucleotide variant.
Coding change: c.379G>A on transcript NM_000400.4 (MANE Select); coding-DNA position 379, G replaced by A.
Protein change: p.Gly127Arg; replaces glycine 127 with arginine.
Molecular consequence: missense variant.
Genome position (GRCh38, 1-based): chr19:45,365,140, C>T on the plus strand (G>A on the coding strand, the complement: ERCC2 is on the minus strand). VCF-style: chr19-45365140-C-T. GRCh37 (hg19) VCF-style: chr19-45868398-C-T.
Other names: c.307G>A, p.Gly103Arg (NM_001130867.2); short protein forms G127R, G103R.
Identifiers: ClinVar variation 2452337 (VCV002452337.2), dbSNP rs2514035208, ClinGen allele CA406376224.